The following is an entry in ClinVar:

ClinVar aggregate classification (germline): Pathogenic (1 of 4 stars; one submission).

Conditions:
Cohen syndrome (COH1). Also called: Cutis verticis gyrata, retinitis pigmentosa, and sensorineural deafness; PEPPER SYNDROME. Identifiers: Orphanet 193, MedGen C0265223, MONDO:0008999, OMIM 216550.

Submission:

Labcorp Genetics (formerly Invitae), Labcorp
Classification: Pathogenic for Cohen syndrome. Last evaluated: 2023-12-26. Review status: criteria provided, single submitter. Criteria: Invitae Variant Classification Sherloc (09022015). Collection method: clinical testing. Allele origin: germline.
Comment: This sequence change creates a premature translational stop signal (p.Gln2739*) in the VPS13B gene. It is expected to result in an absent or disrupted protein product. Loss-of-function variants in VPS13B are known to be pathogenic (PMID: 15141358, 16648375, 20461111). This variant is not present in population databases (gnomAD no frequency). This variant has not been reported in the literature in individuals affected with VPS13B-related conditions. For these reasons, this variant has been classified as Pathogenic.

Literature cited by the submitters: PubMed 15141358; PubMed 16648375; PubMed 20461111.

NM_152564.5(VPS13B):c.8140C>T (p.Gln2714Ter)

Gene: VPS13B (vacuolar protein sorting 13 homolog B; plus strand). Cytogenetic location: 8q22.2.
Variant type: single nucleotide variant.
Coding change: c.8140C>T on transcript NM_152564.5 (MANE Select); coding-DNA position 8140, C replaced by T.
Protein change: p.Gln2714Ter; replaces glutamine 2714 with a stop codon.
Molecular consequence: nonsense.
Genome position (GRCh38, 1-based): chr8:99,817,582, C>T. VCF-style: chr8-99817582-C-T. GRCh37 (hg19) VCF-style: chr8-100829810-C-T.
Other names: c.8215C>T, p.Gln2739Ter (NM_017890.5); short protein forms Q2714*, Q2739*.
Identifiers: ClinVar variation 2803385 (VCV002803385.3), dbSNP rs1166109240, ClinGen allele CA371772448.
Genomic context (GRCh38, chr8:99,817,582, plus strand): 5'-TACTTAACTGTCTTTTAGATTATCATCTGTGGAAGACAGATCATCTGTAGTTACTTGTCT[C>T]AAAGCATAGAACTAAAAGTCGTTCAGCATTACATTGGTCAAGATGGACAAGCTGTAGTTC-3'